The following is an entry in ClinVar:

NM_003737.4(DCHS1):c.7364G>A (p.Arg2455Gln)

Gene: DCHS1 (dachsous cadherin-related 1; minus strand). Cytogenetic location: 11p15.4.
Variant type: single nucleotide variant.
Coding change: c.7364G>A on transcript NM_003737.4 (MANE Select); coding-DNA position 7364, G replaced by A.
Protein change: p.Arg2455Gln; replaces arginine 2455 with glutamine.
Molecular consequence: missense variant.
Genome position (GRCh38, 1-based): chr11:6,624,312, C>T on the plus strand (G>A on the coding strand, the complement: DCHS1 is on the minus strand). VCF-style: chr11-6624312-C-T. GRCh37 (hg19) VCF-style: chr11-6645543-C-T.
Other names: short protein forms R2455Q.
Identifiers: ClinVar variation 2084195 (VCV002084195.4), dbSNP rs192441480, ClinGen allele CA5859622.
Genomic context (GRCh38, chr11:6,624,312, plus strand): 5'-TGGTCCTGCAGCTGCACGTGCACTGTGGCTCGTGCTGCCCGGCCTGGAGCCCCGTGGTCT[C>T]GTGCTTCCAGCACCACATCCACTGCTCCTGACCCGTCATGGCCCAAGGCCACTGTTCCCA-3'
Protein context (NP_003728.1, residues 2445-2465): SGAVDVVLEA[Arg2455Gln]DHGAPGRAAR

ClinVar aggregate classification (germline): Uncertain significance (1 of 4 stars; one submission).

Allele frequency attached by ClinVar (database versions not stated): TOPMed 0.00001; gnomAD 0.00002; gnomAD exomes 0.00002; ExAC 0.00007; 1000 Genomes Project 30x 0.00016; 1000 Genomes Project 0.00020.
gnomAD v4.1: 25 of 1,585,694 alleles (0.0016%); highest among the groups gnomAD compares: Admixed American, 0.015%; no homozygotes.

Submission:

Labcorp Genetics (formerly Invitae), Labcorp
Classification: Uncertain significance. Last evaluated: 2025-05-19. Review status: criteria provided, single submitter. Criteria: Invitae Variant Classification Sherloc (09022015). Collection method: clinical testing. Allele origin: germline.
Comment: This sequence change replaces arginine, which is basic and polar, with glutamine, which is neutral and polar, at codon 2455 of the DCHS1 protein (p.Arg2455Gln). This variant is present in population databases (rs192441480, gnomAD 0.02%). This variant has not been reported in the literature in individuals affected with DCHS1-related conditions. ClinVar contains an entry for this variant (Variation ID: 2084195). Invitae Evidence Modeling of protein sequence and biophysical properties (such as structural, functional, and spatial information, amino acid conservation, physicochemical variation, residue mobility, and thermodynamic stability) indicates that this missense variant is not expected to disrupt DCHS1 protein function with a negative predictive value of 80%. In summary, the available evidence is currently insufficient to determine the role of this variant in disease. Therefore, it has been classified as a Variant of Uncertain Significance.